The following is an entry in ClinVar:

ClinVar aggregate classification (germline): Uncertain significance (1 of 4 stars; one submission).

Conditions:
Spermatogenic failure 18. Identifiers: MedGen C4539783, MONDO:0054615, OMIM 617576.
Ciliary dyskinesia, primary, 37 (CILD37). Also called: CILIARY DYSKINESIA, PRIMARY, 37, WITH OR WITHOUT SITUS INVERSUS. Identifiers: MedGen C4539798, MONDO:0033204, OMIM 617577.

Allele frequency attached by ClinVar (database versions not stated): gnomAD exomes below 0.00001.

Submission:

Labcorp Genetics (formerly Invitae), Labcorp
Classification: Uncertain significance for Ciliary dyskinesia, primary, 37; Spermatogenic failure 18. Last evaluated: 2021-08-30. Review status: criteria provided, single submitter. Criteria: Invitae Variant Classification Sherloc (09022015). Collection method: clinical testing. Allele origin: germline.
Comment: This sequence change replaces methionine with threonine at codon 1064 of the DNAH1 protein (p.Met1064Thr). The methionine residue is highly conserved and there is a moderate physicochemical difference between methionine and threonine. This variant is not present in population databases (ExAC no frequency). This variant has not been reported in the literature in individuals affected with DNAH1-related conditions. Algorithms developed to predict the effect of missense changes on protein structure and function are either unavailable or do not agree on the potential impact of this missense change (SIFT: "Deleterious"; PolyPhen-2: "Benign"; Align-GVGD: "Class C45"). In summary, the available evidence is currently insufficient to determine the role of this variant in disease. Therefore, it has been classified as a Variant of Uncertain Significance.

NM_015512.5(DNAH1):c.3191T>C (p.Met1064Thr)

Gene: DNAH1 (dynein axonemal heavy chain 1; plus strand). Cytogenetic location: 3p21.1.
Variant type: single nucleotide variant.
Coding change: c.3191T>C on transcript NM_015512.5 (MANE Select); coding-DNA position 3191, T replaced by C.
Protein change: p.Met1064Thr; replaces methionine 1064 with threonine.
Molecular consequence: missense variant.
Genome position (GRCh38, 1-based): chr3:52,353,266, T>C. VCF-style: chr3-52353266-T-C. GRCh37 (hg19) VCF-style: chr3-52387282-T-C.
Other names: short protein forms M1064T.
Identifiers: ClinVar variation 846982 (VCV000846982.4), dbSNP rs1702469409, ClinGen allele CA353112300.
Genomic context (GRCh38, chr3:52,353,266, plus strand): 5'-CCCTCTCTGCCATCGATGCTGAGCAGCTGGAGAAGAACGTGGTTGAAGCCTTCAAGACCA[T>C]GCACAAGTGCGTGAAGCAGTTTAAGGACATGCCAGGTAGGGAGCCAAGCCGGCCAATCCC-3'
Protein context (NP_056327.4, residues 1054-1074): EKNVVEAFKT[Met1064Thr]HKCVKQFKDM